The following is an entry in ClinVar:

NM_001253697.2(ERBIN):c.1987C>T (p.Arg663Trp)

Gene: ERBIN (erbb2 interacting protein; plus strand). Cytogenetic location: 5q12.3.
Variant type: single nucleotide variant.
Coding change: c.1987C>T on transcript NM_001253697.2 (MANE Select); coding-DNA position 1987, C replaced by T.
Protein change: p.Arg663Trp; replaces arginine 663 with tryptophan.
Molecular consequence: missense variant.
Genome position (GRCh38, 1-based): chr5:66,050,866, C>T. VCF-style: chr5-66050866-C-T. GRCh37 (hg19) VCF-style: chr5-65346694-C-T.
Other names: c.1987C>T, p.Arg663Trp (NM_001006600.3, NM_001253698.2, NM_001253699.2 and 1 more transcripts); c.1975C>T, p.Arg659Trp (NM_001253701.2); short protein forms R659W, R663W.
Identifiers: ClinVar variation 3627198 (VCV003627198.2).
Genomic context (GRCh38, chr5:66,050,866, plus strand): 5'-TTATCAGATGAAGTTACACACAATAGCAATCAGAATAACAGCAATTGTTCTTCTCCATCT[C>T]GGATGTCTGATTCAGTTTCTCTTAATACTGATAGTAGTCAAGACACCTCACTCTGCTCTC-3'
Protein context (NP_001240626.1, residues 653-673): QNNSNCSSPS[Arg663Trp]MSDSVSLNTD

ClinVar aggregate classification (germline): Uncertain significance (1 of 4 stars; one submission).

gnomAD v4.1: 16 of 1,602,466 alleles (0.001%); highest among the groups gnomAD compares: African/African-American, 0.0014%; no homozygotes.

Submission:

Labcorp Genetics (formerly Invitae), Labcorp
Classification: Uncertain significance. Last evaluated: 2024-12-02. Review status: criteria provided, single submitter. Criteria: Invitae Variant Classification Sherloc (09022015). Collection method: clinical testing. Allele origin: germline.
Comment: This sequence change replaces arginine, which is basic and polar, with tryptophan, which is neutral and slightly polar, at codon 663 of the ERBIN protein (p.Arg663Trp). The frequency data for this variant in the population databases is considered unreliable, as metrics indicate poor data quality at this position in the gnomAD database. This variant has not been reported in the literature in individuals affected with ERBIN-related conditions. An algorithm developed to predict the effect of missense changes on protein structure and function (PolyPhen-2) suggests that this variant is likely to be disruptive. In summary, the available evidence is currently insufficient to determine the role of this variant in disease. Therefore, it has been classified as a Variant of Uncertain Significance.